The following is an entry in ClinVar:

NC_000016.9:g.(?_89178490)_(89199680_?)dup

Gene: ACSF3 (acyl-CoA synthetase family member 3; plus strand). Cytogenetic location: 16q24.3.
Variant type: Duplication.
Identifiers: ClinVar variation 1348239 (VCV001348239.4).

ClinVar aggregate classification (germline): Likely pathogenic (1 of 4 stars; one submission).

Conditions:
Combined malonic and methylmalonic acidemia. Identifiers: Orphanet 289504, MedGen C3280314, MONDO:0013661, OMIM 614265.

Submission:

Labcorp Genetics (formerly Invitae), Labcorp
Classification: Likely pathogenic for Combined malonic and methylmalonic acidemia. Last evaluated: 2021-05-18. Review status: criteria provided, single submitter. Criteria: Invitae Variant Classification Sherloc (09022015). Collection method: clinical testing. Allele origin: germline.
Comment: In summary, the currently available evidence indicates that the variant is pathogenic, but additional data are needed to prove that conclusively. Therefore, this variant has been classified as Likely Pathogenic. This variant has not been reported in the literature in individuals with ACSF3-related conditions. This variant results in a copy number gain of the genomic region encompassing exon(s) 5-8 of the ACSF3 gene. While the exact position of this variant cannot be determined from the data, sub-genic copy number gains are generally in tandem (PMID: 25640679). This variant is predicted to be out-of-frame, and may result in an absent or disrupted protein product. Loss-of-function variants in ACSF3 are known to be pathogenic (PMID: 21841779, 26827111).

Literature cited by the submitters: PubMed 25640679; PubMed 21841779; PubMed 26827111.